The following is an entry in ClinVar:

ClinVar aggregate classification (germline): Pathogenic (1 of 4 stars; one submission).

Submission:

Labcorp Genetics (formerly Invitae), Labcorp
Classification: Pathogenic. Last evaluated: 2022-12-30. Review status: criteria provided, single submitter. Criteria: Invitae Variant Classification Sherloc (09022015). Collection method: clinical testing. Allele origin: germline.
Comment: For these reasons, this variant has been classified as Pathogenic. This variant has not been reported in the literature in individuals affected with LAMC3-related conditions. This variant is present in population databases (no rsID available, gnomAD 0.007%). This sequence change creates a premature translational stop signal (p.Trp1178Leufs*54) in the LAMC3 gene. It is expected to result in an absent or disrupted protein product. Loss-of-function variants in LAMC3 are known to be pathogenic (PMID: 21572413, 26802095).

Literature cited by the submitters: PubMed 21572413; PubMed 26802095.

NM_006059.4(LAMC3):c.3532dup (p.Trp1178fs)

Gene: LAMC3 (laminin subunit gamma 3; plus strand). Cytogenetic location: 9q34.12.
Variant type: Duplication.
Coding change: c.3532dup on transcript NM_006059.4 (MANE Select); coding-DNA position 3532, one base duplicated (T; older notation c.3532dupT).
Protein change: p.Trp1178fs; shifts the reading frame from tryptophan 1178.
Molecular consequence: frameshift variant.
Genome position (GRCh38, 1-based): chr9:131,075,868, T duplicated; the last of 2 consecutive T bases (chr9:131,075,867-131,075,868); duplicating either gives the same sequence. VCF-style (leftmost placement, unchanged base first): chr9-131075866-C-CT. GRCh37 (hg19) VCF-style: chr9-133951253-C-CT.
Other names: short protein forms W1178fs.
Identifiers: ClinVar variation 2988355 (VCV002988355.3), dbSNP rs1219639490, ClinGen allele CA590729410.